The following is an entry in ClinVar:

ClinVar aggregate classification (germline): Uncertain significance (1 of 4 stars; one submission).

Allele frequency attached by ClinVar (database versions not stated): TOPMed below 0.00001; gnomAD exomes 0.00001.
gnomAD v4.1: 3 of 1,614,004 alleles (0.00019%); highest among the groups gnomAD compares: Admixed American, 0.0017%; no homozygotes.

Submission:

Labcorp Genetics (formerly Invitae), Labcorp
Classification: Uncertain significance. Last evaluated: 2022-07-26. Review status: criteria provided, single submitter. Criteria: Invitae Variant Classification Sherloc (09022015). Collection method: clinical testing. Allele origin: germline.
Comment: In summary, the available evidence is currently insufficient to determine the role of this variant in disease. Therefore, it has been classified as a Variant of Uncertain Significance. Algorithms developed to predict the effect of missense changes on protein structure and function output the following: SIFT: "Tolerated"; PolyPhen-2: "Benign"; Align-GVGD: "Class C0". The serine amino acid residue is found in multiple mammalian species, which suggests that this missense change does not adversely affect protein function. ClinVar contains an entry for this variant (Variation ID: 1380630). This variant has not been reported in the literature in individuals affected with NFKB1-related conditions. This variant is not present in population databases (gnomAD no frequency). This sequence change replaces alanine, which is neutral and non-polar, with serine, which is neutral and polar, at codon 834 of the NFKB1 protein (p.Ala834Ser).

NM_003998.4(NFKB1):c.2500G>T (p.Ala834Ser)

Gene: NFKB1 (nuclear factor kappa B subunit 1; plus strand). Cytogenetic location: 4q24.
Variant type: single nucleotide variant.
Coding change: c.2500G>T on transcript NM_003998.4 (MANE Select); coding-DNA position 2500, G replaced by T.
Protein change: p.Ala834Ser; replaces alanine 834 with serine.
Molecular consequence: missense variant.
Genome position (GRCh38, 1-based): chr4:102,612,514, G>T. VCF-style: chr4-102612514-G-T. GRCh37 (hg19) VCF-style: chr4-103533671-G-T.
Other names: c.2497G>T, p.Ala833Ser (NM_001165412.2, NM_001319226.2, NM_001382627.1); c.2500G>T, p.Ala834Ser (NM_001382625.1, NM_001382626.1); c.2458G>T, p.Ala820Ser (NM_001382628.1); short protein forms A820S, A834S, A833S.
Identifiers: ClinVar variation 1380630 (VCV001380630.6), dbSNP rs1728517643, ClinGen allele CA357754746.